The following is an entry in ClinVar:

ClinVar aggregate classification (germline): Uncertain significance. Review status: criteria provided, multiple submitters, no conflicts (2 of 4 stars). 4 submissions from 4 submitters: Uncertain significance (4). Last evaluated 2026-01-21.

Conditions:
Inborn genetic diseases. Identifiers: MedGen C0950123, MeSH D030342.
Infantile-onset X-linked spinal muscular atrophy. Also called: Spinal Muscular Atrophy, X-Linked Infantile; SPINAL MUSCULAR ATROPHY, X-LINKED LETHAL INFANTILE; Spinal muscular atrophy, X-linked 2; AMC, DISTAL, X-LINKED; ARTHROGRYPOSIS, X-LINKED, TYPE I. Identifiers: Orphanet 1145, MedGen C1844934, MONDO:0010532, OMIM 301830.

Allele frequency attached by ClinVar (database versions not stated): ExAC 0.00001; gnomAD exomes 0.00001; TOPMed 0.00001; gnomAD 0.00002.
gnomAD v4.1: 12 of 1,211,040 alleles (0.00099%); highest among the groups gnomAD compares: Non-Finnish European, 0.0013%; no homozygotes.

Submissions (4):

Labcorp Genetics (formerly Invitae), Labcorp
Classification: Uncertain significance for Infantile-onset X-linked spinal muscular atrophy. Last evaluated: 2026-01-21. Review status: criteria provided, single submitter. Criteria: Invitae Variant Classification Sherloc (09022015). Collection method: clinical testing. Allele origin: germline.
Comment: This sequence change replaces valine, which is neutral and non-polar, with methionine, which is neutral and non-polar, at codon 373 of the UBA1 protein (p.Val373Met). This variant is present in population databases (rs782354395, gnomAD 0.003%). This variant has not been reported in the literature in individuals affected with UBA1-related conditions. ClinVar contains an entry for this variant (Variation ID: 651204). An algorithm developed to predict the effect of missense changes on protein structure and function (PolyPhen-2) suggests that this variant is likely to be tolerated. In summary, the available evidence is currently insufficient to determine the role of this variant in disease. Therefore, it has been classified as a Variant of Uncertain Significance.

Ambry Genetics
Classification: Uncertain significance for Inborn genetic diseases. Last evaluated: 2023-05-16. Review status: criteria provided, single submitter. Criteria: Ambry Variant Classification Scheme 2023. Collection method: clinical testing. Allele origin: germline.

Revvity Omics, Revvity
Classification: Uncertain significance for Infantile-onset X-linked spinal muscular atrophy. Last evaluated: 2021-06-25. Review status: criteria provided, single submitter. Criteria: ACMG Guidelines, 2015. Collection method: clinical testing. Allele origin: germline.

CeGaT Center for Human Genetics Tuebingen
Classification: Uncertain significance. Last evaluated: 2016-06-01. Review status: criteria provided, single submitter. Criteria: CeGaT Center For Human Genetics Tuebingen Variant Classification Criteria Version 2. Collection method: clinical testing. Allele origin: germline. Affected: yes. Observed: 1 variant allele.

NM_003334.4(UBA1):c.1117G>A (p.Val373Met)

Gene: UBA1 (ubiquitin like modifier activating enzyme 1; plus strand). Cytogenetic location: Xp11.3.
Variant type: single nucleotide variant.
Coding change: c.1117G>A on transcript NM_003334.4 (MANE Select); coding-DNA position 1117, G replaced by A.
Protein change: p.Val373Met; replaces valine 373 with methionine.
Molecular consequence: missense variant.
Genome position (GRCh38, 1-based): chrX:47,202,698, G>A. VCF-style: chrX-47202698-G-A. GRCh37 (hg19) VCF-style: chrX-47062097-G-A.
Other names: c.1117G>A, p.Val373Met (NM_153280.3); short protein forms V373M.
Identifiers: ClinVar variation 651204 (VCV000651204.53), dbSNP rs782354395, ClinGen allele CA10395849.